The following is an entry in ClinVar:

NM_007294.4(BRCA1):c.3983C>T (p.Ser1328Phe)

Genes: BRCA1 (BRCA1 DNA repair associated; minus strand), LOC126862571 (BRD4-independent group 4 enhancer GRCh37_chr17:41243136-41244335; plus strand). Cytogenetic location: 17q21.31.
Variant type: single nucleotide variant.
Coding change: c.3983C>T on transcript NM_007294.4 (MANE Select); coding-DNA position 3983, C replaced by T.
Protein change: p.Ser1328Phe; replaces serine 1328 with phenylalanine.
Molecular consequence: missense variant. On other transcripts: intron variant (135).
Genome position (GRCh38, 1-based): chr17:43,091,548, G>A on the plus strand (C>T on the coding strand, the complement: BRCA1 is on the minus strand). VCF-style: chr17-43091548-G-A. GRCh37 (hg19) VCF-style: chr17-41243565-G-A.
Other names: c.788-516C>T (NM_001407976.1, NM_001407982.1, NM_001407970.1 and 17 more transcripts); c.653-516C>T (NM_001408451.1); c.644-516C>T (NM_001408464.1, NM_001408468.1, NM_001408465.1 and 3 more transcripts); c.524-516C>T (NM_001408498.1, NM_001408501.1, NM_001408500.1 and 3 more transcripts); c.647-516C>T (NM_001408467.1, NM_001408459.1, NM_001408455.1 and 11 more transcripts); c.584-516C>T (NM_001408475.1); c.710-516C>T (NM_001408412.1, NM_001408409.1, NM_001408414.1 and 2 more transcripts); c.452-516C>T (NM_001408509.1, NM_001408508.1); and 41 more; short protein forms S1216F, S1217F, S1260F, S1301F, S1327F, S1032F, S1302F, S1328F.
Identifiers: ClinVar variation 4828263 (VCV004828263.1).
Genomic context (GRCh38, chr17:43,091,548, plus strand): 5'-CCTCTTTCTTCATCATCTGAAACCAATTCCTTGTCACTCAGACCAACTCCCTGGCTTTCA[G>A]ACTGATGCCTCATTTGTTTGGAAGAACCAATCAAGAAAGGATCCTGGGTGTTTGTATTTG-3'
Protein context (NP_009225.1, residues 1318-1338): IGSSKQMRHQ[Ser1328Phe]ESQGVGLSDK

ClinVar aggregate classification (germline): Uncertain significance (1 of 4 stars; one submission).

Conditions:
Hereditary cancer-predisposing syndrome. Also called: Neoplastic Syndromes, Hereditary; Tumor predisposition; Hereditary Cancer Syndrome; Hereditary neoplastic syndrome. Identifiers: Orphanet 140162, MedGen C0027672, MeSH D009386, MONDO:0015356.

Submission:

Ambry Genetics
Classification: Uncertain significance for Hereditary cancer-predisposing syndrome. Last evaluated: 2025-12-29. Review status: criteria provided, single submitter. Criteria: Ambry Variant Classification Scheme 2023. Collection method: clinical testing. Allele origin: germline.
Comment: The p.S1328F variant (also known as c.3983C>T), located in coding exon 9 of the BRCA1 gene, results from a C to T substitution at nucleotide position 3983. The serine at codon 1328 is replaced by phenylalanine, an amino acid with highly dissimilar properties. This amino acid position is not well conserved in available vertebrate species. In addition, the in silico prediction for this alteration is inconclusive. Based on the available evidence, the clinical significance of this variant remains unclear.